The following is an entry in ClinVar:

NM_031475.3(ESPN):c.1096_1098del (p.Leu366del)

Gene: ESPN (espin; plus strand). Cytogenetic location: 1p36.31.
Variant type: Deletion.
Coding change: c.1096_1098del on transcript NM_031475.3 (MANE Select); coding-DNA positions 1096 to 1098, 3 bases deleted (CTG; older notation c.1096_1098delCTG).
Protein change: p.Leu366del; deletes leucine 366.
Molecular consequence: inframe deletion.
Genome position (GRCh38, 1-based): chr1:6,444,586-6,444,588, CTG deleted; deleting any 3 consecutive bases within chr1:6,444,585-6,444,588 gives the same sequence; the c. name uses the placement nearest the transcript's 3' end. VCF-style (leftmost placement, unchanged base first): chr1-6444584-CGCT-C. GRCh37 (hg19) VCF-style: chr1-6504644-CGCT-C.
Other names: c.1096_1098del, p.Leu366del (NM_001367473.1, NM_001367474.1); c.1096_1098del (NM_031475.2); short protein forms L366del.
Identifiers: ClinVar variation 1403406 (VCV001403406.8), dbSNP rs774970657, ClinGen allele CA560105.
Genomic context (GRCh38, chr1:6,444,584, plus strand): 5'-TGGAGGCTAAGCAGCCGGATTCAGGCATGTCCTCACCCAATACCACGGTGTCGGTCCAGC[CGCT>C]GAACTTTGACCTCAGCTCGCCTACCAGCACCCTCTCCAACTACGACTCCTGCTCCTCCAG-3'

ClinVar aggregate classification (germline): Uncertain significance. Review status: criteria provided, multiple submitters, no conflicts (2 of 4 stars). 2 submissions from 2 submitters: Uncertain significance (2). Last evaluated 2026-08-04.

Submissions (2):

GeneDx
Classification: Uncertain significance. Last evaluated: 2026-08-04. Review status: criteria provided, single submitter. Criteria: GeneDx Variant Classification Process June 2021. Collection method: clinical testing. Allele origin: germline.
Comment: In-frame deletion of 1 amino acid in a non-repeat region; In silico analysis suggests that this variant does not alter protein structure/function; Has not been previously published as pathogenic or benign to our knowledge

Labcorp Genetics (formerly Invitae), Labcorp
Classification: Uncertain significance. Last evaluated: 2021-05-03. Review status: criteria provided, single submitter. Criteria: Invitae Variant Classification Sherloc (09022015). Collection method: clinical testing. Allele origin: germline.
Comment: This variant, c.1096_1098del, results in the deletion of 1 amino acid(s) of the ESPN protein (p.Leu366del), but otherwise preserves the integrity of the reading frame. This variant is present in population databases (rs774970657, ExAC 0.007%). This variant has not been reported in the literature in individuals with ESPN-related conditions. Experimental studies and prediction algorithms are not available or were not evaluated, and the functional significance of this variant is currently unknown. In summary, the available evidence is currently insufficient to determine the role of this variant in disease. Therefore, it has been classified as a Variant of Uncertain Significance.